The following is an entry in ClinVar:

NM_017752.3(TBC1D8B):c.2903G>C (p.Ser968Thr)

Gene: TBC1D8B (TBC1 domain family member 8B; plus strand). Cytogenetic location: Xq22.3.
Variant type: single nucleotide variant.
Coding change: c.2903G>C on transcript NM_017752.3 (MANE Select); coding-DNA position 2903, G replaced by C.
Protein change: p.Ser968Thr; replaces serine 968 with threonine.
Molecular consequence: missense variant.
Genome position (GRCh38, 1-based): chrX:106,870,749, G>C. VCF-style: chrX-106870749-G-C. GRCh37 (hg19) VCF-style: chrX-106113979-G-C.
Other names: c.2753G>C, p.Ser918Thr (NM_001441214.1); c.2609G>C, p.Ser870Thr (NM_001441215.1); short protein forms S870T, S918T, S968T.
Identifiers: ClinVar variation 4855588 (VCV004855588.1).

ClinVar aggregate classification (germline): Uncertain significance (1 of 4 stars; one submission).

Conditions:
Nephrotic syndrome, type 20. Identifiers: MedGen C5193011, MONDO:0026726, OMIM 301028.

Submission:

3billion
Classification: Uncertain significance for Nephrotic syndrome, type 20. Last evaluated: 2025-09-15. Review status: criteria provided, single submitter. Criteria: ACMG Guidelines, 2015. Collection method: clinical testing. Allele origin: germline. Affected: yes.
Comment: The variant is not observed in the gnomAD v4.1.0 dataset. Predicted Consequence/Location: Missense variant In silico tool predictions suggest no damaging effect of the variant on gene or gene product [REVEL: 0.15 (<0.4); 3Cnet: 0.04 (<0.1, specificity 0.84 and negative predicitive value 0.97)]. Therefore, this variant is classified as VUS according to the recommendation of ACMG/AMP guideline.